The following is an entry in ClinVar:

ClinVar aggregate classification (germline): Likely pathogenic (1 of 4 stars; one submission).

Conditions:
Tuberous sclerosis 1 (TSC1). Identifiers: Orphanet 805, MedGen C1854465, MONDO:0008612, OMIM 191100.

Submission:

3billion
Classification: Likely pathogenic for Tuberous sclerosis 1. Last evaluated: 2023-02-23. Review status: criteria provided, single submitter. Criteria: ACMG Guidelines, 2015. Collection method: clinical testing. Allele origin: unknown. Affected: yes.
Comment: The variant is not observed in the gnomAD v2.1.1 dataset. This variant was predicted to result in a loss or disruption of normal protein function through nonsense-mediated decay (NMD) or protein truncation. Multiple pathogenic variants are reported downstream of the variant. Therefore, this variant is classified as Likely pathogenic according to the recommendation of ACMG/AMP guideline.

NM_000368.5(TSC1):c.2129_2132dup (p.His712fs)

Gene: TSC1 (TSC complex subunit 1; minus strand). Cytogenetic location: 9q34.13.
Variant type: Duplication.
Coding change: c.2129_2132dup on transcript NM_000368.5 (MANE Select); coding-DNA positions 2129 to 2132, 4 bases duplicated (AGCA; older notation c.2129_2132dupAGCA).
Protein change: p.His712fs; shifts the reading frame from histidine 712.
Molecular consequence: frameshift variant.
Genome position (GRCh38, 1-based): chr9:132,903,727-132,903,730, TGCT duplicated on the plus strand (AGCA on the coding strand, the reverse complement: TSC1 is on the minus strand). VCF-style (leftmost placement, unchanged base first): chr9-132903726-C-CTGCT. GRCh37 (hg19) VCF-style: chr9-135779113-C-CTGCT.
Other names: c.2126_2129dup, p.His711fs (NM_001162426.2); c.1976_1979dup, p.His661fs (NM_001162427.2); c.1766_1769dup, p.His591fs (NM_001362177.2); c.2129_2132dup, p.His712Alafs (NM_001406592.1, NM_001406593.1, NM_001406594.1 and 5 more transcripts); c.2126_2129dup, p.His711Alafs (NM_001406597.1, NM_001406598.1, NM_001406599.1 and 3 more transcripts); c.2114_2117dup, p.His707Alafs (NM_001406601.1, NM_001406602.1); c.2111_2114dup, p.His706Alafs (NM_001406603.1, NM_001406604.1); c.1976_1979dup, p.His661Alafs (NM_001406610.1); and 6 more; short protein forms H591fs, H661fs, H711fs, H712fs.
Identifiers: ClinVar variation 2444371 (VCV002444371.1), dbSNP rs2538652467, ClinGen allele CA2580080152.